The following is an entry in ClinVar:

ClinVar aggregate classification (germline): Likely benign (1 of 4 stars; one submission).

gnomAD v4.1: 107 of 1,548,966 alleles (0.0069%); highest among the groups gnomAD compares: Admixed American, 0.02%; no homozygotes.

Submission:

CeGaT Center for Human Genetics Tuebingen
Classification: Likely benign. Last evaluated: 2025-05-01. Review status: criteria provided, single submitter. Criteria: CeGaT Center For Human Genetics Tuebingen Variant Classification Criteria Version 2. Collection method: clinical testing. Allele origin: germline. Affected: yes. Observed: 1 variant allele.
Comment: FBRSL1: BP4, BP7

NM_001367871.1(FBRSL1):c.1629+54G>A

Gene: FBRSL1 (fibrosin like 1; plus strand). Cytogenetic location: 12q24.33.
Variant type: single nucleotide variant.
Coding change: c.1629+54G>A on transcript NM_001367871.1 (MANE Select); 54 bases into the intron after coding-DNA position 1629, G replaced by A.
Molecular consequence: intron variant. On other transcripts: synonymous variant (1).
Genome position (GRCh38, 1-based): chr12:132,574,402, G>A. VCF-style: chr12-132574402-G-A. GRCh37 (hg19) VCF-style: chr12-133150988-G-A.
Other names: c.1668G>A, p.Gly556= (NM_001142641.2); c.1683+54G>A (NM_001382739.1); c.1213+3862G>A (NM_001382740.1).
Identifiers: ClinVar variation 3905349 (VCV003905349.10).